The following is an entry in ClinVar:

NM_000081.4(LYST):c.2725G>A (p.Val909Ile)

Gene: LYST (lysosomal trafficking regulator; minus strand). Cytogenetic location: 1q42.3.
Variant type: single nucleotide variant.
Coding change: c.2725G>A on transcript NM_000081.4 (MANE Select); coding-DNA position 2725, G replaced by A.
Protein change: p.Val909Ile; replaces valine 909 with isoleucine.
Molecular consequence: missense variant.
Genome position (GRCh38, 1-based): chr1:235,806,411, C>T on the plus strand (G>A on the coding strand, the complement: LYST is on the minus strand). VCF-style: chr1-235806411-C-T. GRCh37 (hg19) VCF-style: chr1-235969711-C-T.
Other names: p.Val909Ile; c.2725G>A (NM_000081.2); c.2725G>A, p.Val909Ile (NM_001301365.1); short protein forms V909I.
Identifiers: ClinVar variation 296416 (VCV000296416.15), dbSNP rs146335682, ClinGen allele CA1467226.

ClinVar aggregate classification (germline): Conflicting classifications of pathogenicity. Review status: criteria provided, conflicting classifications (1 of 4 stars). 7 submissions from 7 submitters: Uncertain significance (4); Likely benign (3). Last evaluated 2026-01-17.

Conditions:
Chédiak-Higashi syndrome (CHS). Also called: Chediak-Higashi Syndrome. Identifiers: Orphanet 167, MedGen C0007965, MONDO:0008963, OMIM 214500.
Inborn genetic diseases. Identifiers: MedGen C0950123, MeSH D030342.
LYST-related disorder. Also called: LYST-related condition.

Allele frequency attached by ClinVar (database versions not stated): ExAC 0.00015; 1000 Genomes Project 30x 0.00016; 1000 Genomes Project 0.00020; gnomAD 0.00032; ESP Exome Variant Server 0.00046.
gnomAD v4.1: 183 of 1,613,944 alleles (0.011%); highest among the groups gnomAD compares: African/African-American, 0.079%; no homozygotes.

Submissions (7):

Labcorp Genetics (formerly Invitae), Labcorp
Classification: Uncertain significance for Chédiak-Higashi syndrome. Last evaluated: 2026-01-17. Review status: criteria provided, single submitter. Criteria: Invitae Variant Classification Sherloc (09022015). Collection method: clinical testing. Allele origin: germline.
Comment: This sequence change replaces valine, which is neutral and non-polar, with isoleucine, which is neutral and non-polar, at codon 909 of the LYST protein (p.Val909Ile). This variant is present in population databases (rs146335682, gnomAD 0.1%). This variant has not been reported in the literature in individuals affected with LYST-related conditions. ClinVar contains an entry for this variant (Variation ID: 296416). Invitae Evidence Modeling of protein sequence and biophysical properties (such as structural, functional, and spatial information, amino acid conservation, physicochemical variation, residue mobility, and thermodynamic stability) indicates that this missense variant is not expected to disrupt LYST protein function with a negative predictive value of 80%. In summary, the available evidence is currently insufficient to determine the role of this variant in disease. Therefore, it has been classified as a Variant of Uncertain Significance.

PreventionGenetics, part of Exact Sciences
Classification: Uncertain significance for LYST-related condition. Last evaluated: 2025-07-24. Review status: criteria provided, single submitter. Criteria: ACMG Guidelines, 2015. Collection method: clinical testing. Allele origin: germline.
Comment: The LYST c.2725G>A variant is predicted to result in the amino acid substitution p.Val909Ile. To our knowledge, this variant has not been reported in the literature. This variant is reported in 0.14% of alleles in individuals of Ashkenazi Jewish descent in gnomAD, which may be too common to be causative. Although we suspect that this variant may be benign, at this time, the clinical significance of this variant is uncertain due to the absence of conclusive functional and genetic evidence.

Mayo Clinic Laboratories, Mayo Clinic
Classification: Likely benign. Last evaluated: 2024-10-15. Review status: criteria provided, single submitter. Criteria: ACMG Guidelines, 2015. Collection method: clinical testing. Allele origin: germline. Observed: 1 variant allele.
Comment: BS1_supporting, BP4

Blueprint Genetics
Classification: Likely benign. Last evaluated: 2024-05-08. Review status: criteria provided, single submitter. Criteria: ACMG Guidelines, 2015. Collection method: clinical testing. Allele origin: germline.

GeneDx
Classification: Uncertain significance. Last evaluated: 2022-12-12. Review status: criteria provided, single submitter. Criteria: GeneDx Variant Classification Process June 2021. Collection method: clinical testing. Allele origin: germline. Affected: yes.
Comment: In silico analysis supports that this missense variant does not alter protein structure/function; Has not been previously published as pathogenic or benign to our knowledge

Ambry Genetics
Classification: Likely benign for Inborn genetic diseases. Last evaluated: 2022-05-25. Review status: criteria provided, single submitter. Criteria: Ambry Variant Classification Scheme 2023. Collection method: clinical testing. Allele origin: germline.

Illumina Laboratory Services, Illumina
Classification: Uncertain significance for Chédiak-Higashi syndrome. Last evaluated: 2018-01-13. Review status: criteria provided, single submitter. Criteria: ICSL Variant Classification Criteria 13 December 2019. Collection method: clinical testing. Allele origin: germline.